The following is an entry in ClinVar:

NM_001165963.4(SCN1A):c.5971A>G (p.Lys1991Glu)

Genes: SCN1A (sodium voltage-gated channel alpha subunit 1; minus strand), LOC102724058 (uncharacterized LOC102724058; plus strand). Cytogenetic location: 2q24.3.
Variant type: single nucleotide variant.
Coding change: c.5971A>G on transcript NM_001165963.4 (MANE Select); coding-DNA position 5971, A replaced by G.
Protein change: p.Lys1991Glu; replaces lysine 1991 with glutamic acid.
Molecular consequence: missense variant. On other transcripts: non-coding transcript variant (1).
Genome position (GRCh38, 1-based): chr2:165,991,304, T>C on the plus strand (A>G on the coding strand, the complement: SCN1A is on the minus strand). VCF-style: chr2-165991304-T-C. GRCh37 (hg19) VCF-style: chr2-166847814-T-C.
Other names: c.5887A>G, p.Lys1963Glu (NM_001165964.3, NM_001353957.2, NM_001353958.2); c.5971A>G, p.Lys1991Glu (NM_001202435.3, NM_001353948.2); c.5938A>G, p.Lys1980Glu (NM_001353949.2, NM_001353950.2, NM_001353951.2 and 2 more transcripts); c.5935A>G, p.Lys1979Glu (NM_001353954.2, NM_001353955.2); c.5884A>G, p.Lys1962Glu (NM_001353960.2); c.3529A>G, p.Lys1177Glu (NM_001353961.2); c.5971A>G (NM_001202435.1, NM_001165963.1); short protein forms K1980E, K1962E, K1177E, K1979E, K1991E, K1963E.
Identifiers: ClinVar variation 1483285 (VCV001483285.11), dbSNP rs755419624, ClinGen allele CA1942620.

ClinVar aggregate classification (germline): Uncertain significance. Review status: criteria provided, multiple submitters, no conflicts (2 of 4 stars). 3 submissions from 3 submitters: Uncertain significance (2). 1 of the submissions does not count toward it. Last evaluated 2025-08-12.

Conditions:
Early-infantile DEE. Also called: Early infantile epileptic encephalopathy; Early infantile epileptic encephalopathy with suppression bursts; Ohtahara syndrome. Identifiers: Orphanet 1934, MedGen C0393706, MONDO:0800491.
SCN1A-related disorder. Also called: SCN1A-related conditions; SCN1A-related condition; SCN1A-related disorders.

Allele frequency attached by ClinVar (database versions not stated): gnomAD exomes below 0.00001; ExAC 0.00001.
gnomAD v4.1: 2 of 1,613,652 alleles (0.00012%); highest among the groups gnomAD compares: African/African-American, 0.0013%; no homozygotes.

Submissions (3):

GeneDx
Classification: Uncertain significance. Last evaluated: 2025-08-12. Review status: criteria provided, single submitter. Criteria: GeneDx Variant Classification Process June 2021. Collection method: clinical testing. Allele origin: germline. Affected: yes.
Comment: Not observed at significant frequency in large population cohorts (gnomAD); In silico analysis supports that this missense variant has a deleterious effect on protein structure/function; Has not been previously published as pathogenic or benign to our knowledge; This substitution is predicted to be within the C-terminal cytoplasmic domain

Labcorp Genetics (formerly Invitae), Labcorp
Classification: Uncertain significance for Early-infantile DEE. Last evaluated: 2021-01-07. Review status: criteria provided, single submitter. Criteria: Invitae Variant Classification Sherloc (09022015). Collection method: clinical testing. Allele origin: germline.
Comment: This variant is present in population databases (rs755419624, ExAC 0.01%). In summary, the available evidence is currently insufficient to determine the role of this variant in disease. Therefore, it has been classified as a Variant of Uncertain Significance. Algorithms developed to predict the effect of sequence changes on RNA splicing suggest that this variant may create or strengthen a splice site, but this prediction has not been confirmed by published transcriptional studies. Algorithms developed to predict the effect of missense changes on protein structure and function are either unavailable or do not agree on the potential impact of this missense change (SIFT: "Tolerated"; PolyPhen-2: "Possibly Damaging"; Align-GVGD: "Class C0"). This variant has not been reported in the literature in individuals with SCN1A-related conditions. This sequence change replaces lysine with glutamic acid at codon 1991 of the SCN1A protein (p.Lys1991Glu). The lysine residue is highly conserved and there is a small physicochemical difference between lysine and glutamic acid.

PreventionGenetics, part of Exact Sciences
Classification: Uncertain significance for SCN1A-related condition. Last evaluated: 2024-03-23. Review status: no assertion criteria provided. Collection method: clinical testing. Allele origin: germline. Not counted in ClinVar's aggregate classification.
Comment: The SCN1A c.5971A>G variant is predicted to result in the amino acid substitution p.Lys1991Glu. To our knowledge, this variant has not been reported in the literature. This variant is reported in 0.0062% of alleles in individuals of African descent in gnomAD. At this time, the clinical significance of this variant is uncertain due to the absence of conclusive functional and genetic evidence.